The following is an entry in ClinVar:

ClinVar aggregate classification (germline): Uncertain significance (1 of 4 stars; one submission).

Submission:

GeneDx
Classification: Uncertain significance. Last evaluated: 2022-11-20. Review status: criteria provided, single submitter. Criteria: GeneDx Variant Classification Process June 2021. Collection method: clinical testing. Allele origin: germline. Affected: yes.
Comment: Not observed at significant frequency in large population cohorts (gnomAD); In silico analysis supports that this missense variant has a deleterious effect on protein structure/function; Has not been previously published as pathogenic or benign to our knowledge

NM_001318852.2(MAPK8IP3):c.3878T>A (p.Ile1293Asn)

Gene: MAPK8IP3 (mitogen-activated protein kinase 8 interacting protein 3; plus strand). Cytogenetic location: 16p13.3.
Variant type: single nucleotide variant.
Coding change: c.3878T>A on transcript NM_001318852.2 (MANE Select); coding-DNA position 3878, T replaced by A.
Protein change: p.Ile1293Asn; replaces isoleucine 1293 with asparagine.
Molecular consequence: missense variant.
Genome position (GRCh38, 1-based): chr16:1,768,612, T>A. VCF-style: chr16-1768612-T-A. GRCh37 (hg19) VCF-style: chr16-1818613-T-A.
Other names: c.3857T>A, p.Ile1286Asn (NM_001040439.2); c.3875T>A, p.Ile1292Asn (NM_015133.5, NM_033392.3); short protein forms I1286N, I1292N, I1293N.
Identifiers: ClinVar variation 2502781 (VCV002502781.1), dbSNP rs2548120684, ClinGen allele CA394239888.
Genomic context (GRCh38, chr16:1,768,612, plus strand): 5'-CGGAGGTCGAGGGCCAGAAGCTGCGGAACGTGCTGGTGCTGAGCGGCGGGGAGGGCTACA[T>A]CGACTTCCGCATTGGTGAGCGGGGCCCAGGGACAGGGCTGAGGTTGGGCGCGGGGGGAGC-3'
Protein context (NP_001305781.1, residues 1283-1303): VLVLSGGEGY[Ile1293Asn]DFRIGDGEDD